The following is an entry in ClinVar:

ClinVar aggregate classification (germline): Uncertain significance (1 of 4 stars; one submission).

Conditions:
Inborn genetic diseases. Identifiers: MedGen C0950123, MeSH D030342.

Submission:

Ambry Genetics
Classification: Uncertain significance for Inborn genetic diseases. Last evaluated: 2025-01-08. Review status: criteria provided, single submitter. Criteria: Ambry Variant Classification Scheme 2023. Collection method: clinical testing. Allele origin: germline.
Comment: The p.A664S variant (also known as c.1990G>T), located in coding exon 8 of the MECOM gene, results from a G to T substitution at nucleotide position 1990. The alanine at codon 664 is replaced by serine, an amino acid with similar properties. This amino acid position is conserved. In addition, the in silico prediction for this alteration is inconclusive. Based on the available evidence, the clinical significance of this variant remains unclear.

NM_004991.4(MECOM):c.1990G>T (p.Ala664Ser)

Gene: MECOM (MDS1 and EVI1 complex locus; minus strand). Cytogenetic location: 3q26.2.
Variant type: single nucleotide variant.
Coding change: c.1990G>T on transcript NM_004991.4 (MANE Select); coding-DNA position 1990, G replaced by T.
Protein change: p.Ala664Ser; replaces alanine 664 with serine.
Molecular consequence: missense variant. On other transcripts: intron variant (2).
Genome position (GRCh38, 1-based): chr3:169,115,882, C>A on the plus strand (G>T on the coding strand, the complement: MECOM is on the minus strand). VCF-style: chr3-169115882-C-A. GRCh37 (hg19) VCF-style: chr3-168833670-C-A.
Other names: c.1621G>T, p.Ala541Ser (NM_001105077.4); c.1426G>T, p.Ala476Ser (NM_001105078.4, NM_001164000.2, NM_001205194.2 and 4 more transcripts); c.1429G>T, p.Ala477Ser (NM_001163999.2, NM_001366467.2, NM_001366468.2 and 1 more transcripts); c.1990G>T, p.Ala664Ser (NM_001366466.2); c.1133-115G>T (NM_001366473.2); c.569-115G>T (NM_001366474.2); short protein forms A476S, A477S, A541S, A664S.
Identifiers: ClinVar variation 3871682 (VCV003871682.1).